The following is an entry in ClinVar:

NM_022168.4(IFIH1):c.315A>G (p.Pro105=)

Gene: IFIH1 (interferon induced with helicase C domain 1; minus strand). Cytogenetic location: 2q24.2.
Variant type: single nucleotide variant.
Coding change: c.315A>G on transcript NM_022168.4 (MANE Select); coding-DNA position 315, A replaced by G.
Protein change: p.Pro105=; no amino-acid change (proline 105 retained).
Molecular consequence: synonymous variant.
Genome position (GRCh38, 1-based): chr2:162,317,993, T>C on the plus strand (A>G on the coding strand, the complement: IFIH1 is on the minus strand). VCF-style: chr2-162317993-T-C. GRCh37 (hg19) VCF-style: chr2-163174503-T-C.
Other names: c.315A>G (NM_022168.3).
Identifiers: ClinVar variation 2938821 (VCV002938821.4), dbSNP rs754271847, ClinGen allele CA1934856.

ClinVar aggregate classification (germline): Likely benign. Review status: criteria provided, multiple submitters, no conflicts (2 of 4 stars). 2 submissions from 2 submitters: Likely benign (2). Last evaluated 2025-07-09.

Conditions:
Singleton-Merten syndrome 1 (SGMRT1). Also called: Widened medullary cavities of bone, aortic calcification, abnormal dentition, and muscular weakness; Syndrome of widened medullary cavities of the metacarpals and phalanges, aortic calcification and abnormal dentition. Identifiers: Orphanet 85191, MedGen C4225427, MONDO:0024535, OMIM 182250.
Aicardi-Goutieres syndrome 7 (AGS7). Identifiers: Orphanet 51, MedGen C3888244, MONDO:0014367, OMIM 615846.
IFIH1-related disorder. Also called: IFIH1-related condition.

Allele frequency attached by ClinVar (database versions not stated): ExAC 0.00001; gnomAD 0.00001; gnomAD exomes 0.00001; TOPMed 0.00001.
gnomAD v4.1: 9 of 1,614,060 alleles (0.00056%); highest among the groups gnomAD compares: Admixed American, 0.0017%; no homozygotes.

Submissions (2):

PreventionGenetics, part of Exact Sciences
Classification: Likely benign for IFIH1-related condition. Last evaluated: 2025-07-09. Review status: criteria provided, single submitter. Criteria: ACMG Guidelines, 2015. Collection method: clinical testing. Allele origin: germline.
Comment: This variant is classified as likely benign based on ACMG/AMP sequence variant interpretation guidelines (Richards et al. 2015 PMID: 25741868, with internal and published modifications).

Labcorp Genetics (formerly Invitae), Labcorp
Classification: Likely benign for Aicardi-Goutieres syndrome 7; Singleton-Merten syndrome 1. Last evaluated: 2023-08-16. Review status: criteria provided, single submitter. Criteria: Invitae Variant Classification Sherloc (09022015). Collection method: clinical testing. Allele origin: germline.